The following is an entry in ClinVar:

ClinVar aggregate classification (germline): Pathogenic/Likely pathogenic. Review status: criteria provided, multiple submitters, no conflicts (2 of 4 stars). 7 submissions from 7 submitters: Pathogenic (4); Likely pathogenic (1). 2 of the submissions do not count toward it. Last evaluated 2025-04-11.

Conditions:
Mucolipidosis type II. Also called: Mucolipidosis 2; ML 2; Inclusion cell disease; Leroy Disease; N-acetylglucosamine 1phosphotransferase deficiency; ML disorder type 2. Identifiers: Orphanet 576, MedGen C2673377, MONDO:0009650, OMIM 252500.
Pseudo-Hurler polydystrophy. Also called: Type III Mucolipidosis; ML IIIA; Mucolipidosis III Alpha/Beta; MUCOLIPIDOSIS IIIA; ML III; ML III ALPHA/BETA. Identifiers: Orphanet 423461, Orphanet 577, MedGen C0033788, MONDO:0018931, OMIM 252600.

Allele frequency attached by ClinVar (database versions not stated): gnomAD exomes below 0.00001 and 0.00002; gnomAD 0.00001; ExAC 0.00002; ESP Exome Variant Server 0.00008; TOPMed below 0.00001.
gnomAD v4.1: 6 of 1,603,422 alleles (0.00037%); highest among the groups gnomAD compares: African/African-American, 0.0054%; no homozygotes.

Submissions (7):

Natera, Inc.
Classification: Pathogenic for Mucolipidosis type II. Last evaluated: 2025-04-11. Review status: criteria provided, single submitter. Criteria: Natera Variant Classification Schema (03/2026). Collection method: clinical testing. Allele origin: germline.
Comment: The c.3410T>A variant in GNPTAB is a nonsense variant predicted to introduce a stop codon at amino acid 1137. This variant is expected to result in nonsense mediated decay, truncation, or a dysfunctional protein product. This variant is rare in the general population with a frequency below the threshold expected for the associated phenotype(s). This variant has been observed in one or more individuals affected with the associated recessive disease, as either homozygous or compound heterozygous with a second variant (PMID: 19617216). Given the available evidence, this variant is classified as Pathogenic.

Fulgent Genetics
Classification: Pathogenic for Mucolipidosis type II; Pseudo-Hurler polydystrophy. Last evaluated: 2024-06-10. Review status: criteria provided, single submitter. Criteria: ACMG Guidelines, 2015. Collection method: clinical testing. Allele origin: germline.

Labcorp Genetics (formerly Invitae), Labcorp
Classification: Pathogenic for Pseudo-Hurler polydystrophy; Mucolipidosis type II. Last evaluated: 2024-02-25. Review status: criteria provided, single submitter. Criteria: Invitae Variant Classification Sherloc (09022015). Collection method: clinical testing. Allele origin: germline.
Comment: This sequence change creates a premature translational stop signal (p.Leu1137*) in the GNPTAB gene. It is expected to result in an absent or disrupted protein product. Loss-of-function variants in GNPTAB are known to be pathogenic (PMID: 19617216, 25107912). This variant is present in population databases (rs142065232, gnomAD 0.02%). This premature translational stop signal has been observed in individual(s) with mucolipidosis II (PMID: 19617216). ClinVar contains an entry for this variant (Variation ID: 39071). For these reasons, this variant has been classified as Pathogenic.

Revvity Omics, Revvity
Classification: Likely pathogenic. Last evaluated: 2022-03-30. Review status: criteria provided, single submitter. Criteria: ACMG Guidelines, 2015. Collection method: clinical testing. Allele origin: germline.

Women's Health and Genetics/Laboratory Corporation of America, LabCorp
Classification: Pathogenic for Mucolipidosis type II. Last evaluated: 2016-07-08. Review status: criteria provided, single submitter. Criteria: LabCorp Variant Classification Summary - May 2015. Collection method: clinical testing. Allele origin: germline.
Comment: Variant summary: The GNPTAB c.3410T>A (p.Leu1137X) variant results in a premature termination codon, predicted to cause a truncated or absent GNPTAB protein due to nonsense mediated decay, which are commonly known mechanisms for disease. Truncations downstream of this position have been classified as pathogenic by reputable sources (e.g.c.3565C>T/p.Arg1189Ter, c.3613C>T/p.Arg1205Ter). One in silico tool predicts a damaging outcome for this variant. This variant has been reported in at least two ML II patients and was found in 2/120516 control chromosomes at a frequency of 0.0000166, which does not exceed the estimated maximal expected allele frequency of a pathogenic GNPTAB variant (0.0022361). In addition, multiple clinical diagnostic laboratories/reputable databases classified this variant as pathogenic. Taken together, this variant is classified as pathogenic.

Counsyl
Classification: Likely pathogenic for Pseudo-Hurler polydystrophy. Last evaluated: 2018-01-10. Review status: no assertion criteria provided. Collection method: clinical testing. Allele origin: unknown. Not counted in ClinVar's aggregate classification.

GeneReviews
No classification provided. Condition: Mucolipidosis type II. Review status: no classification provided. Collection method: literature only. Allele origin: unknown. Not counted in ClinVar's aggregate classification.

Literature cited by the submitters: PubMed 19617216 (cited by 5 submitters); PubMed 25107912 (cited by Labcorp Genetics (formerly Invitae), Labcorp); PubMed 25525159 (cited by Women's Health and Genetics/Laboratory Corporation of America, LabCorp); PubMed 20301728 (cited by GeneReviews); NCBI Bookshelf NBK1828 (cited by GeneReviews).

NM_024312.5(GNPTAB):c.3410T>A (p.Leu1137Ter)

Gene: GNPTAB (N-acetylglucosamine-1-phosphate transferase subunits alpha and beta; minus strand). Cytogenetic location: 12q23.2.
Variant type: single nucleotide variant.
Coding change: c.3410T>A on transcript NM_024312.5 (MANE Select); coding-DNA position 3410, T replaced by A.
Protein change: p.Leu1137Ter; replaces leucine 1137 with a stop codon.
Molecular consequence: nonsense.
Genome position (GRCh38, 1-based): chr12:101,757,236, A>T on the plus strand (T>A on the coding strand, the complement: GNPTAB is on the minus strand). VCF-style: chr12-101757236-A-T. GRCh37 (hg19) VCF-style: chr12-102151014-A-T.
Other names: short protein forms L1137*.
Identifiers: ClinVar variation 39071 (VCV000039071.19), dbSNP rs142065232, ClinGen allele CA343397.